The following is an entry in ClinVar:

ClinVar aggregate classification (germline): Conflicting classifications of pathogenicity. Review status: criteria provided, conflicting classifications (1 of 4 stars). 3 submissions from 3 submitters: Uncertain significance (2); Likely benign (1). Last evaluated 2025-04-11.

Conditions:
Spinocerebellar ataxia type 28 (SCA28). Also called: Spinocerebellar Ataxia Type 28 (SCA28). Identifiers: Orphanet 101109, MedGen C1853249, MONDO:0012450, OMIM 610246.

Allele frequency attached by ClinVar (database versions not stated): TOPMed 0.00001; ExAC 0.00002; gnomAD exomes 0.00003.
gnomAD v4.1: 51 of 1,613,880 alleles (0.0032%); highest among the groups gnomAD compares: Middle Eastern, 0.017%; no homozygotes.

Submissions (3):

Labcorp Genetics (formerly Invitae), Labcorp
Classification: Uncertain significance. Last evaluated: 2025-04-11. Review status: criteria provided, single submitter. Criteria: Invitae Variant Classification Sherloc (09022015). Collection method: clinical testing. Allele origin: germline.
Comment: This sequence change replaces arginine, which is basic and polar, with tryptophan, which is neutral and slightly polar, at codon 240 of the AFG3L2 protein (p.Arg240Trp). This variant is present in population databases (rs768999765, gnomAD 0.005%). This variant has not been reported in the literature in individuals affected with AFG3L2-related conditions. ClinVar contains an entry for this variant (Variation ID: 892530). Invitae Evidence Modeling of protein sequence and biophysical properties (such as structural, functional, and spatial information, amino acid conservation, physicochemical variation, residue mobility, and thermodynamic stability) indicates that this missense variant is not expected to disrupt AFG3L2 protein function with a negative predictive value of 95%. In summary, the available evidence is currently insufficient to determine the role of this variant in disease. Therefore, it has been classified as a Variant of Uncertain Significance.

Blueprint Genetics
Classification: Uncertain significance. Last evaluated: 2024-10-28. Review status: criteria provided, single submitter. Criteria: ACMG Guidelines, 2015. Collection method: clinical testing. Allele origin: germline.

Illumina Laboratory Services, Illumina
Classification: Likely benign for Spinocerebellar ataxia type 28. Last evaluated: 2018-01-12. Review status: criteria provided, single submitter. Criteria: ICSL Variant Classification Criteria 13 December 2019. Collection method: clinical testing. Allele origin: germline.
Comment: This variant was observed in the ICSL laboratory as part of a predisposition screen in an ostensibly healthy population. It had not been previously curated by ICSL or reported in the Human Gene Mutation Database (HGMD: prior to June 1st, 2018), and was therefore a candidate for classification through an automated scoring system. Utilizing variant allele frequency, disease prevalence and penetrance estimates, and inheritance mode, an automated score was calculated to assess if this variant is too frequent to cause the disease. Based on the score and internal cut-off values, a variant classified as likely benign is not then subjected to further curation. The score for this variant resulted in a classification of likely benign for this disease.

NM_006796.3(AFG3L2):c.718C>T (p.Arg240Trp)

Gene: AFG3L2 (AFG3 like matrix AAA peptidase subunit 2; minus strand). Cytogenetic location: 18p11.21.
Variant type: single nucleotide variant.
Coding change: c.718C>T on transcript NM_006796.3 (MANE Select); coding-DNA position 718, C replaced by T.
Protein change: p.Arg240Trp; replaces arginine 240 with tryptophan.
Molecular consequence: missense variant.
Genome position (GRCh38, 1-based): chr18:12,359,961, G>A on the plus strand (C>T on the coding strand, the complement: AFG3L2 is on the minus strand). VCF-style: chr18-12359961-G-A. GRCh37 (hg19) VCF-style: chr18-12359960-G-A.
Other names: short protein forms R240W.
Identifiers: ClinVar variation 892530 (VCV000892530.11), dbSNP rs768999765, ClinGen allele CA8896680.